The following is an entry in ClinVar:

NM_001367624.2(ZNF469):c.1363C>A (p.Pro455Thr)

Gene: ZNF469 (zinc finger protein 469; plus strand). Cytogenetic location: 16q24.2.
Variant type: single nucleotide variant.
Coding change: c.1363C>A on transcript NM_001367624.2 (MANE Select); coding-DNA position 1363, C replaced by A.
Protein change: p.Pro455Thr; replaces proline 455 with threonine.
Molecular consequence: missense variant.
Genome position (GRCh38, 1-based): chr16:88,428,833, C>A. VCF-style: chr16-88428833-C-A. GRCh37 (hg19) VCF-style: chr16-88495241-C-A.
Other names: NM_001127464.1:c.1363C>A; NM_001127464.2:c.1363C>A; short protein forms P455T.
Identifiers: ClinVar variation 1770884 (VCV001770884.8), dbSNP rs560911127, ClinGen allele CA8224672.

ClinVar aggregate classification (germline): Conflicting classifications of pathogenicity. Review status: criteria provided, conflicting classifications (1 of 4 stars). 4 submissions from 4 submitters: Uncertain significance (2); Benign (1). 1 of the submissions does not count toward it. Last evaluated 2025-10-30.

Conditions:
ZNF469-related disorder. Also called: ZNF469-related condition.
Cardiovascular phenotype. Identifiers: MedGen CN230736.

Allele frequency attached by ClinVar (database versions not stated): ExAC 0.00016; 1000 Genomes Project 0.00020; 1000 Genomes Project 30x 0.00031; gnomAD 0.00057; TOPMed 0.00064.
gnomAD v4.1: 171 of 1,547,954 alleles (0.011%); highest among the groups gnomAD compares: African/African-American, 0.2%; 3 homozygotes.

Submissions (4):

Women's Health and Genetics/Laboratory Corporation of America, LabCorp
Classification: Uncertain significance. Last evaluated: 2025-10-30. Review status: criteria provided, single submitter. Criteria: LabCorp Variant Classification Summary - May 2015. Collection method: clinical testing. Allele origin: germline.
Comment: Variant summary: ZNF469 c.1363C>A (p.Pro455Thr) results in a non-conservative amino acid change in the encoded protein sequence. Algorithms developed to predict the effect of missense changes on protein structure and function are either unavailable or do not agree on the potential impact of this missense change. The variant allele was found at a frequency of 0.00012 in 145600 control chromosomes. This frequency is not significantly higher than estimated for disease-causing variants in ZNF469, allowing no conclusion about variant significance. To our knowledge, no occurrence of c.1363C>A in individuals affected with ZNF469-related conditions and no experimental evidence demonstrating its impact on protein function have been reported. ClinVar contains an entry for this variant (Variation ID: 1770884). Based on the evidence outlined above, the variant was classified as uncertain significance.

Ambry Genetics
Classification: Benign for Cardiovascular phenotype. Last evaluated: 2024-04-17. Review status: criteria provided, single submitter. Criteria: Ambry Variant Classification Scheme 2023. Collection method: clinical testing. Allele origin: germline.

Labcorp Genetics (formerly Invitae), Labcorp
Classification: Uncertain significance. Last evaluated: 2022-10-25. Review status: criteria provided, single submitter. Criteria: Invitae Variant Classification Sherloc (09022015). Collection method: clinical testing. Allele origin: germline.
Comment: This sequence change replaces proline, which is neutral and non-polar, with threonine, which is neutral and polar, at codon 455 of the ZNF469 protein (p.Pro455Thr). This variant is present in population databases (rs560911127, gnomAD 0.2%). This variant has not been reported in the literature in individuals affected with ZNF469-related conditions. Algorithms developed to predict the effect of missense changes on protein structure and function output the following: SIFT: "Tolerated"; PolyPhen-2: "Benign"; Align-GVGD: "Class C0". The threonine amino acid residue is found in multiple mammalian species, which suggests that this missense change does not adversely affect protein function. In summary, the available evidence is currently insufficient to determine the role of this variant in disease. Therefore, it has been classified as a Variant of Uncertain Significance.

PreventionGenetics, part of Exact Sciences
Classification: Likely benign for ZNF469-related condition. Last evaluated: 2023-04-24. Review status: no assertion criteria provided. Collection method: clinical testing. Allele origin: germline. Not counted in ClinVar's aggregate classification.
Comment: This variant is classified as likely benign based on ACMG/AMP sequence variant interpretation guidelines (Richards et al. 2015 PMID: 25741868, with internal and published modifications).